The following is an entry in ClinVar:

ClinVar aggregate classification (germline): Likely benign. Review status: criteria provided, single submitter (1 of 4 stars). 2 submissions from 2 submitters: Likely benign (1). 1 of the submissions does not count toward it. Last evaluated 2025-07-21.

Conditions:
DVL1-related disorder. Also called: DVL1-related condition.

Allele frequency attached by ClinVar (database versions not stated): ExAC 0.00002; gnomAD exomes 0.00004; gnomAD 0.00015 and 0.00019; TOPMed 0.00016.
gnomAD v4.1: 59 of 1,609,900 alleles (0.0037%); highest among the groups gnomAD compares: African/African-American, 0.06%; no homozygotes.

Submissions (2):

Labcorp Genetics (formerly Invitae), Labcorp
Classification: Likely benign. Last evaluated: 2025-07-21. Review status: criteria provided, single submitter. Criteria: Invitae Variant Classification Sherloc (09022015). Collection method: clinical testing. Allele origin: germline.

PreventionGenetics, part of Exact Sciences
Classification: Likely benign for DVL1-related condition. Last evaluated: 2024-06-13. Review status: no assertion criteria provided. Collection method: clinical testing. Allele origin: germline. Not counted in ClinVar's aggregate classification.
Comment: This variant is classified as likely benign based on ACMG/AMP sequence variant interpretation guidelines (Richards et al. 2015 PMID: 25741868, with internal and published modifications).

NM_001330311.2(DVL1):c.1602G>T (p.Leu534=)

Gene: DVL1 (dishevelled segment polarity protein 1; minus strand). Cytogenetic location: 1p36.33.
Variant type: single nucleotide variant.
Coding change: c.1602G>T on transcript NM_001330311.2 (MANE Select); coding-DNA position 1602, G replaced by T.
Protein change: p.Leu534=; no amino-acid change (leucine 534 retained).
Molecular consequence: synonymous variant.
Genome position (GRCh38, 1-based): chr1:1,338,089, C>A on the plus strand (G>T on the coding strand, the complement: DVL1 is on the minus strand). VCF-style: chr1-1338089-C-A. GRCh37 (hg19) VCF-style: chr1-1273469-C-A.
Other names: c.1527G>T (NM_004421.2); c.1527G>T, p.Leu509= (NM_004421.3).
Identifiers: ClinVar variation 1572765 (VCV001572765.9), dbSNP rs752706599, ClinGen allele CA519989.
Genomic context (GRCh38, chr1:1,338,089, plus strand): 5'-CTGGTAGGCAGGCGGGAAGCAGGGTGGGGGTCCCGGGTACTGGTAGGGGTAGCCCTGACC[C>A]AGAGGCCAGGGGGCAGCCGGGTGGGGCAGCGGGGCCAGCGTGTCCTGATCCGAAGTCCCA-3'
Protein context (NP_001317240.1, residues 524-544): PLPHPAAPWP[Leu534=]GQGYPYQYPG